The following is an entry in ClinVar:

NM_001375524.1(TRRAP):c.2861A>G (p.Asn954Ser)

Gene: TRRAP (transformation/transcription domain associated protein; plus strand). Cytogenetic location: 7q22.1.
Variant type: single nucleotide variant.
Coding change: c.2861A>G on transcript NM_001375524.1 (MANE Select); coding-DNA position 2861, A replaced by G.
Protein change: p.Asn954Ser; replaces asparagine 954 with serine.
Molecular consequence: missense variant.
Genome position (GRCh38, 1-based): chr7:98,925,149, A>G. VCF-style: chr7-98925149-A-G. GRCh37 (hg19) VCF-style: chr7-98522772-A-G.
Other names: c.2861A>G, p.Asn954Ser (NM_001244580.2, NM_003496.4); short protein forms N954S.
Identifiers: ClinVar variation 1926879 (VCV001926879.5), dbSNP rs368388358, ClinGen allele CA4359866.

ClinVar aggregate classification (germline): Uncertain significance (1 of 4 stars; one submission).

Allele frequency attached by ClinVar (database versions not stated): TOPMed 0.00001; gnomAD exomes 0.00006; ESP Exome Variant Server 0.00008; ExAC 0.00016.
gnomAD v4.1: 46 of 1,614,230 alleles (0.0028%); highest among the groups gnomAD compares: Non-Finnish European, 0.0028%; no homozygotes.

Submission:

Labcorp Genetics (formerly Invitae), Labcorp
Classification: Uncertain significance. Last evaluated: 2022-04-15. Review status: criteria provided, single submitter. Criteria: Invitae Variant Classification Sherloc (09022015). Collection method: clinical testing. Allele origin: germline.
Comment: In summary, the available evidence is currently insufficient to determine the role of this variant in disease. Therefore, it has been classified as a Variant of Uncertain Significance. Algorithms developed to predict the effect of missense changes on protein structure and function (SIFT, PolyPhen-2, Align-GVGD) all suggest that this variant is likely to be tolerated. This variant has not been reported in the literature in individuals affected with TRRAP-related conditions. This variant is present in population databases (rs368388358, gnomAD 0.02%). This sequence change replaces asparagine, which is neutral and polar, with serine, which is neutral and polar, at codon 954 of the TRRAP protein (p.Asn954Ser).